The following is an entry in ClinVar:

NM_005591.4(MRE11):c.1709G>C (p.Arg570Thr)

Gene: MRE11 (MRE11 double strand break repair nuclease; minus strand). Cytogenetic location: 11q21.
Variant type: single nucleotide variant.
Coding change: c.1709G>C on transcript NM_005591.4 (MANE Select); coding-DNA position 1709, G replaced by C.
Protein change: p.Arg570Thr; replaces arginine 570 with threonine.
Molecular consequence: missense variant.
Genome position (GRCh38, 1-based): chr11:94,447,293, C>G on the plus strand (G>C on the coding strand, the complement: MRE11 is on the minus strand). VCF-style: chr11-94447293-C-G. GRCh37 (hg19) VCF-style: chr11-94180459-C-G.
Other names: c.1709G>C, p.Arg570Thr (NM_001440460.1, NM_001440461.1, NM_001440462.1 and 10 more transcripts); c.1646G>C, p.Arg549Thr (NM_001440467.1, NM_001440468.1, NM_001440481.1 and 2 more transcripts); c.1571G>C, p.Arg524Thr (NM_001440479.1); c.1364G>C, p.Arg455Thr (NM_001440482.1, NM_001440483.1, NM_001440484.1); c.1241G>C, p.Arg414Thr (NM_001440485.1, NM_001440486.1, NM_001440487.1); c.1634G>C, p.Arg545Thr (NM_001440471.1, NM_001440472.1); c.1628G>C, p.Arg543Thr (NM_001440473.1, NM_001440477.1, NM_001440478.1); short protein forms R543T, R455T, R524T, R545T, R570T, R414T, R549T.
Identifiers: ClinVar variation 4110080 (VCV004110080.1).

ClinVar aggregate classification (germline): Uncertain significance (1 of 4 stars; one submission).

Conditions:
Hereditary cancer-predisposing syndrome. Also called: Tumor predisposition; Neoplastic Syndromes, Hereditary; Hereditary neoplastic syndrome; Hereditary Cancer Syndrome. Identifiers: Orphanet 140162, MedGen C0027672, MeSH D009386, MONDO:0015356.

Submission:

Ambry Genetics
Classification: Uncertain significance for Hereditary cancer-predisposing syndrome. Last evaluated: 2025-07-06. Review status: criteria provided, single submitter. Criteria: Ambry Variant Classification Scheme 2023. Collection method: clinical testing. Allele origin: germline.
Comment: The p.R570T variant (also known as c.1709G>C), located in coding exon 14 of the MRE11A gene, results from a G to C substitution at nucleotide position 1709. The arginine at codon 570 is replaced by threonine, an amino acid with similar properties. This amino acid position is conserved. In addition, the in silico prediction for this alteration is inconclusive. Based on the available evidence, the clinical significance of this variant remains unclear.